The following is an entry in ClinVar:

ClinVar aggregate classification (germline): Pathogenic (1 of 4 stars; one submission).

Conditions:
Hydrocephalus, nonsyndromic, autosomal recessive 1 (HYC1). Also called: Hydrocephalus, nonsyndromic, autosomal recessive; Congenital hydrocephalus 1. Identifiers: Orphanet 2185, MedGen C3887608, MONDO:0009360, OMIM 236600.

Submission:

Myriad Genetics, Inc.
Classification: Pathogenic for Hydrocephalus, nonsyndromic, autosomal recessive 1. Last evaluated: 2026-02-19. Review status: criteria provided, single submitter. Criteria: Myriad Autosomal Dominant, Autosomal Recessive and X-Linked Classification Criteria (2023). Collection method: clinical testing. Allele origin: unknown.
Comment: NM_001080414.3(CCDC88C):c.4936dupG(A1646Gfs*23) is a frameshift variant classified as pathogenic in the context of congenital hydrocephalus, CCDC88C-related. A1646Gfs*23 has not been observed in cases with relevant disease. Relevant functional assessments of this variant are not available in the literature. A1646Gfs*23 has not been observed in referenced population frequency databases. In summary, NM_001080414.3(CCDC88C):c.4936dupG(A1646Gfs*23) is a frameshift variant in a gene where loss of function is a known mechanism of disease and is predicted to disrupt protein function. Please note: this variant was assessed in the context of healthy population screening.

NM_001080414.4(CCDC88C):c.4936dup (p.Ala1646fs)

Gene: CCDC88C (coiled-coil and HOOK domain protein 88C; minus strand). Cytogenetic location: 14q32.11.
Variant type: Duplication.
Coding change: c.4936dup on transcript NM_001080414.4 (MANE Select); coding-DNA position 4936, one base duplicated (G; older notation c.4936dupG).
Protein change: p.Ala1646fs; shifts the reading frame from alanine 1646.
Molecular consequence: frameshift variant. On other transcripts: non-coding transcript variant (2).
Genome position (GRCh38, 1-based): chr14:91,278,044, C duplicated on the plus strand (G on the coding strand, the reverse complement: CCDC88C is on the minus strand). VCF-style (leftmost placement, unchanged base first): chr14-91278043-G-GC. GRCh37 (hg19) VCF-style: chr14-91744387-G-GC.
Other names: short protein forms A1646fs.
Identifiers: ClinVar variation 5004476 (VCV005004476.1).